The following is an entry in ClinVar:

NM_024675.4(PALB2):c.2828A>C (p.Glu943Ala)

Gene: PALB2 (partner and localizer of BRCA2; minus strand). Cytogenetic location: 16p12.2.
Variant type: single nucleotide variant.
Coding change: c.2828A>C on transcript NM_024675.4 (MANE Select); coding-DNA position 2828, A replaced by C.
Protein change: p.Glu943Ala; replaces glutamic acid 943 with alanine.
Molecular consequence: missense variant.
Genome position (GRCh38, 1-based): chr16:23,624,015, T>G on the plus strand (A>C on the coding strand, the complement: PALB2 is on the minus strand). VCF-style: chr16-23624015-T-G. GRCh37 (hg19) VCF-style: chr16-23635336-T-G.
Other names: short protein forms E943A.
Identifiers: ClinVar variation 530185 (VCV000530185.9), dbSNP rs1555459707, ClinGen allele CA395144801.

ClinVar aggregate classification (germline): Uncertain significance (1 of 4 stars; one submission).

Conditions:
Familial cancer of breast. Also called: BREAST CANCER, FAMILIAL; Hereditary breast cancer; hereditary breast carcinoma. Identifiers: Orphanet 227535, MedGen C0346153, MONDO:0016419, OMIM 114480. Disease mechanism: loss of function.

Submission:

Labcorp Genetics (formerly Invitae), Labcorp
Classification: Uncertain significance for Familial cancer of breast. Last evaluated: 2023-08-17. Review status: criteria provided, single submitter. Criteria: Invitae Variant Classification Sherloc (09022015). Collection method: clinical testing. Allele origin: germline.
Comment: This variant has not been reported in the literature in individuals affected with PALB2-related conditions. In summary, the available evidence is currently insufficient to determine the role of this variant in disease. Therefore, it has been classified as a Variant of Uncertain Significance. Advanced modeling of protein sequence and biophysical properties (such as structural, functional, and spatial information, amino acid conservation, physicochemical variation, residue mobility, and thermodynamic stability) performed at Invitae indicates that this missense variant is expected to disrupt PALB2 protein function. ClinVar contains an entry for this variant (Variation ID: 530185). This variant is not present in population databases (gnomAD no frequency). This sequence change replaces glutamic acid, which is acidic and polar, with alanine, which is neutral and non-polar, at codon 943 of the PALB2 protein (p.Glu943Ala).